The following is an entry in ClinVar:

NM_002618.4(PEX13):c.1052A>G (p.Gln351Arg)

Gene: PEX13 (peroxisomal biogenesis factor 13; plus strand). Cytogenetic location: 2p15.
Variant type: single nucleotide variant.
Coding change: c.1052A>G on transcript NM_002618.4 (MANE Select); coding-DNA position 1052, A replaced by G.
Protein change: p.Gln351Arg; replaces glutamine 351 with arginine.
Molecular consequence: missense variant.
Genome position (GRCh38, 1-based): chr2:61,048,610, A>G. VCF-style: chr2-61048610-A-G. GRCh37 (hg19) VCF-style: chr2-61275745-A-G.
Other names: short protein forms Q351R.
Identifiers: ClinVar variation 2131357 (VCV002131357.1), dbSNP rs776838433, ClinGen allele CA1673422.

ClinVar aggregate classification (germline): Uncertain significance (1 of 4 stars; one submission).

Conditions:
Peroxisome biogenesis disorder 11A (Zellweger). Also called: Peroxisome biogenesis disorder 11A. Identifiers: Orphanet 912, MedGen C3554000, MONDO:0013949, OMIM 614883.

Allele frequency attached by ClinVar (database versions not stated): ExAC 0.00001.

Submission:

Labcorp Genetics (formerly Invitae), Labcorp
Classification: Uncertain significance for Peroxisome biogenesis disorder 11A (Zellweger). Last evaluated: 2022-08-16. Review status: criteria provided, single submitter. Criteria: Invitae Variant Classification Sherloc (09022015). Collection method: clinical testing. Allele origin: germline.
Comment: This sequence change replaces glutamine, which is neutral and polar, with arginine, which is basic and polar, at codon 351 of the PEX13 protein (p.Gln351Arg). This variant is present in population databases (rs776838433, gnomAD 0.0009%). This variant has not been reported in the literature in individuals affected with PEX13-related conditions. Algorithms developed to predict the effect of missense changes on protein structure and function (SIFT, PolyPhen-2, Align-GVGD) all suggest that this variant is likely to be tolerated. In summary, the available evidence is currently insufficient to determine the role of this variant in disease. Therefore, it has been classified as a Variant of Uncertain Significance.